The following is an entry in ClinVar:

NM_000517.6(HBA2):c.163C>T (p.Gln55Ter)

Genes: HBA2 (hemoglobin subunit alpha 2; plus strand), LOC106804612 (hemoglobin subunit alpha 2 recombination region; plus strand). Cytogenetic location: 16p13.3.
Variant type: single nucleotide variant.
Coding change: c.163C>T on transcript NM_000517.6 (MANE Select); coding-DNA position 163, C replaced by T.
Protein change: p.Gln55Ter; replaces glutamine 55 with a stop codon.
Molecular consequence: nonsense.
Genome position (GRCh38, 1-based): chr16:173,192, C>T. VCF-style: chr16-173192-C-T. GRCh37 (hg19) VCF-style: chr16-223191-C-T.
Other names: c.163C>T (NM_000517.5, NM_000517.4); short protein forms Q55*.
Identifiers: ClinVar variation 1330821 (VCV001330821.9), dbSNP rs281864840, ClinGen allele CA7770113.

ClinVar aggregate classification (germline): Pathogenic/Likely pathogenic. Review status: criteria provided, multiple submitters, no conflicts (2 of 4 stars). 3 submissions from 3 submitters: Pathogenic (1); Likely pathogenic (2). Last evaluated 2025-08-10.

Conditions:
alpha Thalassemia. Also called: Alpha thalassemia spectrum. Identifiers: Orphanet 846, MedGen C0002312, MONDO:0011399, OMIM 604131.

Allele frequency attached by ClinVar (database versions not stated): gnomAD exomes 0.00002; gnomAD 0.00004.

Submissions (3):

Natera, Inc.
Classification: Likely pathogenic for Alpha thalassemia. Last evaluated: 2025-08-10. Review status: criteria provided, single submitter. Criteria: Natera Variant Classification Schema (03/2026). Collection method: clinical testing. Allele origin: germline.
Comment: The c.163C>T variant in HBA2 is a nonsense variant predicted to introduce a stop codon at amino acid 55. This variant is expected to result in nonsense mediated decay, truncation, or a dysfunctional protein product. This variant is rare in the general population with a frequency below the threshold expected for the associated phenotype(s). This variant has been observed in at least one unaffected individual, with a zygosity that is consistent with the inheritance pattern for the associated condition (in gnomAD and/or literature). Given the available evidence, this variant is classified as Likely Pathogenic.

ARUP Laboratories, Molecular Genetics and Genomics, ARUP Laboratories
Classification: Likely pathogenic. Last evaluated: 2024-04-04. Review status: criteria provided, single submitter. Criteria: ARUP Molecular Germline Variant Investigation Process 2024. Collection method: clinical testing. Allele origin: germline.
Comment: The HBA2 c.163C>T; p.Gln55Ter, variant (also known as Gln54Ter when numbered from the mature protein, rs281864840, ClinVar ID: 1330821) been reported in the heterozygous state in an individual with microcytosis and hypochromia and normal Hb pattern (Eng 2009). This variant is found in the African population with an allele frequency of 0.03% (2/6384 alleles, including 1 homozygote) in the Genome Aggregation Database. This variant induces an early termination codon and is predicted to result in a truncated protein or mRNA subject to nonsense-mediated decay. Based on available information, this variant is considered to be likely pathogenic. References: Eng B et al. Alpha+-thalassemia trait caused by a nonsense mutation in the alpha2-globin gene: codon 54 (CAG>TAG). Hemoglobin. 2009;33(1):72-4. PMID: 19205977.

Quest Diagnostics Nichols Institute San Juan Capistrano
Classification: Pathogenic. Last evaluated: 2023-08-15. Review status: criteria provided, single submitter. Criteria: Quest Diagnostics criteria. Collection method: clinical testing. Allele origin: unknown.
Comment: The c.163C>T (p.Gln55*) nonsense variant causes the premature termination of HBA2 protein synthesis and is associated with haemolytic anemia (ITHANET). In the published literature, this variant has been reported in one affected individual with mild microcytosis and hypochromia (PMID: 19205977 (2009)). Based on this information, the variant is classified as pathogenic.

Literature cited by the submitters: PubMed 19205977 (cited by Quest Diagnostics Nichols Institute San Juan Capistrano).